The following is an entry in ClinVar:

ClinVar aggregate classification (germline): Pathogenic. Review status: criteria provided, multiple submitters, no conflicts (2 of 4 stars). 2 submissions from 2 submitters: Pathogenic (2). Last evaluated 2025-02-16.

Submissions (2):

Laboratory of Genetics, Children's Clinical University Hospital Latvia
Classification: Pathogenic. Last evaluated: 2025-02-16. Review status: criteria provided, single submitter. Criteria: ACMG Guidelines, 2015. Collection method: clinical testing. Allele origin: germline. Affected: yes.

GeneDx
Classification: Pathogenic. Last evaluated: 2022-05-17. Review status: criteria provided, single submitter. Criteria: GeneDx Variant Classification Process June 2021. Collection method: clinical testing. Allele origin: germline. Affected: yes.
Comment: Not observed at significant frequency in large population cohorts (gnomAD); Frameshift variant predicted to result in protein truncation, as the last 310 amino acids are replaced with 2 different amino acids, and other loss-of-function variants have been reported downstream in HGMD; This variant is associated with the following publications: (PMID: 31146700)

NM_017780.4(CHD7):c.8062dup (p.Ile2688fs)

Gene: CHD7 (chromodomain helicase DNA binding protein 7; plus strand). Cytogenetic location: 8q12.2.
Variant type: Duplication.
Coding change: c.8062dup on transcript NM_017780.4 (MANE Select); coding-DNA position 8062, one base duplicated (A; older notation c.8062dupA).
Protein change: p.Ile2688fs; shifts the reading frame from isoleucine 2688.
Molecular consequence: frameshift variant.
Genome position (GRCh38, 1-based): chr8:60,862,638, A duplicated. VCF-style (leftmost placement, unchanged base first): chr8-60862637-T-TA. GRCh37 (hg19) VCF-style: chr8-61775196-T-TA.
Other names: c.8062dup (LRG_176t1); c.1915dup, p.Ile639fs (NM_001316690.1); c.8062dupA (NM_017780.2); short protein forms I2688fs, I639fs.
Identifiers: ClinVar variation 280789 (VCV000280789.5), dbSNP rs886041933, ClinGen allele CA10603123.